The following is an entry in ClinVar:

NM_000156.6(GAMT):c.54C>T (p.Pro18=)

Genes: GAMT (guanidinoacetate N-methyltransferase; minus strand), LOC130062945 (ATAC-STARR-seq lymphoblastoid silent region 9707; plus strand). Cytogenetic location: 19p13.3.
Variant type: single nucleotide variant.
Coding change: c.54C>T on transcript NM_000156.6 (MANE Select); coding-DNA position 54, C replaced by T.
Protein change: p.Pro18=; no amino-acid change (proline 18 retained).
Molecular consequence: synonymous variant.
Genome position (GRCh38, 1-based): chr19:1,401,423, G>A on the plus strand (C>T on the coding strand, the complement: GAMT is on the minus strand). VCF-style: chr19-1401423-G-A. GRCh37 (hg19) VCF-style: chr19-1401422-G-A.
Other names: NM_000156.6(GAMT):c.54C>T; p.Pro18=; c.54C>T, p.Pro18= (NM_138924.3).
Identifiers: ClinVar variation 696471 (VCV000696471.14), dbSNP rs960874258, ClinGen allele CA304067345.

ClinVar aggregate classification (germline): Likely benign. Review status: reviewed by expert panel (3 of 4 stars). 3 submissions from 3 submitters: Likely benign (1). 2 of the submissions do not count toward it. Last evaluated 2022-06-06.

Conditions:
Deficiency of guanidinoacetate methyltransferase (CCDS2). Also called: GAMT DEFICIENCY; CEREBRAL CREATINE DEFICIENCY SYNDROME 2; Guanidinoacetate Methyltransferase (GAMT) Deficiency. Identifiers: Orphanet 382, MedGen C0574080, MONDO:0012999, OMIM 612736.
Cerebral creatine deficiency syndrome. Also called: Creatine deficiency syndromes. Identifiers: Orphanet 79172, MedGen C5244016, MONDO:0000456.
GAMT-related disorder. Also called: GAMT-related condition.

Allele frequency attached by ClinVar (database versions not stated): gnomAD 0.00002; TOPMed 0.00002; gnomAD exomes 0.00003.

Submissions (3):

ClinGen Cerebral Creatine Deficiency Syndromes Variant Curation Expert Panel, ClinGen
Classification: Likely benign for Deficiency of guanidinoacetate methyltransferase. Last evaluated: 2022-06-06. Review status: reviewed by expert panel. Criteria: ClinGen_CCDS_ACMG_Specifications_GAMT_v1.1. Collection method: curation. Allele origin: germline. Inheritance: Autosomal recessive inheritance.
Comment: The NM_000156.6:c.54C>T (p.Pro18=) variant in GAMT is a synonymous variant in exon 1 which is predicted to not impact splicing by SpliceAI and VarSeak, and the nucleotide is not highly conserved (BP4, BP7). The highest population minor allele frequency in a continental population of >2,000 alleles is 0.00008 in the non-Finnish European population, which is lower than the ClinGen CCDS VCEP’s threshold for PM2_Supporting (<0.0004). The site is covered in fewer than 50% of individuals in gnomAD v2.1.1 exomes, and therefore the allele frequency estimates may not be reliable but PM2_Supporting. This variant does not appear to have been previously reported in the published literature. However, it is noted in ClinVar (Variation ID: 696471). Although this variant may be rare, it has been classified as likely benign by the ClinGen CCDS VCEP based on the recommendation of Richards et al (PMID: 25741868) because it is a synonymous variant, the altered nucleotide is not highly conserved, computational prediction suggests no impact on splicing, and there is no additional evidence to suggest that the variant is disease-causing. GAMT-specific ACMG/AMP criteria applied, as specified by the CCDS VCEP (Specifications Version 1.1.0): PM2_Supporting, BP4, BP7. (Classification approved by the ClinGen CCDS VCEP on June 6, 2022).

Labcorp Genetics (formerly Invitae), Labcorp
Classification: Likely benign for Cerebral creatine deficiency syndrome. Last evaluated: 2025-12-22. Review status: criteria provided, single submitter. Criteria: Invitae Variant Classification Sherloc (09022015). Collection method: clinical testing. Allele origin: germline. Not counted in ClinVar's aggregate classification.

PreventionGenetics, part of Exact Sciences
Classification: Likely benign for GAMT-related condition. Last evaluated: 2019-04-17. Review status: no assertion criteria provided. Collection method: clinical testing. Allele origin: germline. Not counted in ClinVar's aggregate classification.
Comment: This variant is classified as likely benign based on ACMG/AMP sequence variant interpretation guidelines (Richards et al. 2015 PMID: 25741868, with internal and published modifications).